The following is an entry in ClinVar:

NM_001127222.2(CACNA1A):c.2560G>C (p.Ala854Pro)

Gene: CACNA1A (calcium voltage-gated channel subunit alpha1 A; minus strand). Cytogenetic location: 19p13.13.
Variant type: single nucleotide variant.
Coding change: c.2560G>C on transcript NM_001127222.2 (MANE Select); coding-DNA position 2560, G replaced by C.
Protein change: p.Ala854Pro; replaces alanine 854 with proline.
Molecular consequence: missense variant.
Genome position (GRCh38, 1-based): chr19:13,299,073, C>G on the plus strand (G>C on the coding strand, the complement: CACNA1A is on the minus strand). VCF-style: chr19-13299073-C-G. GRCh37 (hg19) VCF-style: chr19-13409887-C-G.
Other names: c.2572G>C, p.Ala858Pro (NM_000068.4, NM_023035.3); c.2563G>C, p.Ala855Pro (NM_001127221.2, NM_001174080.2); short protein forms A855P, A858P, A854P.
Identifiers: ClinVar variation 1922965 (VCV001922965.5), dbSNP rs769711107, ClinGen allele CA9240531.

ClinVar aggregate classification (germline): Uncertain significance (1 of 4 stars; one submission).

Conditions:
Episodic ataxia type 2 (EA2). Also called: ACETAZOLAMIDE-RESPONSIVE HEREDITARY PAROXYSMAL CEREBELLAR ATAXIA; ATAXIA, EPISODIC, WITH NYSTAGMUS; ATAXIA, FAMILIAL PAROXYSMAL; CEREBELLAR ATAXIA, PAROXYSMAL, ACETAZOLAMIDE-RESPONSIVE; CEREBELLOPATHY, HEREDITARY PAROXYSMAL; EPISODIC ATAXIA, NYSTAGMUS-ASSOCIATED. Identifiers: Orphanet 97, MedGen C1720416, MONDO:0007163, OMIM 108500.
Developmental and epileptic encephalopathy, 42 (DEE42A). Also called: Epileptic encephalopathy, early infantile, 42; EPILEPTIC ENCEPHALOPATHY, EARLY INFANTILE, 42A; DEVELOPMENTAL AND EPILEPTIC ENCEPHALOPATHY 42A. Identifiers: MedGen C4310716, MONDO:0014917, OMIM 617106.

Allele frequency attached by ClinVar (database versions not stated): ExAC 0.00001.
gnomAD v4.1: 4 of 1,608,766 alleles (0.00025%); highest among the groups gnomAD compares: Middle Eastern, 0.017%; no homozygotes.

Submission:

Labcorp Genetics (formerly Invitae), Labcorp
Classification: Uncertain significance for Developmental and epileptic encephalopathy, 42; Episodic ataxia type 2. Last evaluated: 2022-01-18. Review status: criteria provided, single submitter. Criteria: Invitae Variant Classification Sherloc (09022015). Collection method: clinical testing. Allele origin: germline.
Comment: This sequence change replaces alanine, which is neutral and non-polar, with proline, which is neutral and non-polar, at codon 855 of the CACNA1A protein (p.Ala855Pro). This variant is present in population databases (rs769711107, gnomAD 0.0009%). This variant has not been reported in the literature in individuals affected with CACNA1A-related conditions. Advanced modeling of protein sequence and biophysical properties (such as structural, functional, and spatial information, amino acid conservation, physicochemical variation, residue mobility, and thermodynamic stability) performed at Invitae indicates that this missense variant is not expected to disrupt CACNA1A protein function. In summary, the available evidence is currently insufficient to determine the role of this variant in disease. Therefore, it has been classified as a Variant of Uncertain Significance.